The following is an entry in ClinVar:

ClinVar aggregate classification (germline): Likely pathogenic. Review status: criteria provided, multiple submitters, no conflicts (2 of 4 stars). 7 submissions from 7 submitters: Likely pathogenic (6). 1 of the submissions does not count toward it. Last evaluated 2025-10-23.

Conditions:
Hereditary cancer-predisposing syndrome. Also called: Hereditary neoplastic syndrome; Neoplastic Syndromes, Hereditary; Hereditary Cancer Syndrome; Tumor predisposition. Identifiers: Orphanet 140162, MedGen C0027672, MeSH D009386, MONDO:0015356.
Bone osteosarcoma. Also called: Osteosarcoma, somatic. Identifiers: Orphanet 668, MedGen C0585442, MONDO:0002629, OMIM 259500.
Familial cancer of breast. Also called: Hereditary breast cancer; hereditary breast carcinoma; BREAST CANCER, FAMILIAL. Identifiers: Orphanet 227535, MedGen C0346153, MONDO:0016419, OMIM 114480. Disease mechanism: loss of function.

Submissions (7):

Labcorp Genetics (formerly Invitae), Labcorp
Classification: Likely pathogenic for Familial cancer of breast. Last evaluated: 2025-10-23. Review status: criteria provided, single submitter. Criteria: Invitae Variant Classification Sherloc (09022015). Collection method: clinical testing. Allele origin: germline.
Comment: This sequence change affects an acceptor splice site in intron 8 of the CHEK2 gene. It is expected to disrupt RNA splicing. Variants that disrupt the donor or acceptor splice site typically lead to a loss of protein function (PMID: 16199547), and loss-of-function variants in CHEK2 are known to be pathogenic (PMID: 21876083, 24713400). This variant is not present in population databases (gnomAD no frequency). Disruption of this splice site has been observed in individual(s) with a Lynch syndrome associated cancer and/or colorectal polyps (PMID: 25980754). ClinVar contains an entry for this variant (Variation ID: 487405). Algorithms developed to predict the effect of sequence changes on RNA splicing suggest that this variant may disrupt the consensus splice site. In summary, the currently available evidence indicates that the variant is pathogenic, but additional data are needed to prove that conclusively. Therefore, this variant has been classified as Likely Pathogenic.

Ambry Genetics
Classification: Likely pathogenic for Hereditary cancer-predisposing syndrome. Last evaluated: 2025-08-14. Review status: criteria provided, single submitter. Criteria: Ambry Variant Classification Scheme 2023. Collection method: clinical testing. Allele origin: germline.
Comment: The c.909-2A>G intronic variant results from an A to G substitution two nucleotides upstream from coding exon 8 in the CHEK2 gene. This nucleotide position is highly conserved in available vertebrate species. In silico splice site analysis predicts that this alteration will weaken the native splice acceptor site and will result in the creation or strengthening of a novel splice acceptor site. RNA studies have demonstrated that this alteration results in a transcript predicted to lead to a protein with an in-frame deletion of one amino acid and insertion of 17 amino acids. This variant is considered to be rare based on population cohorts in the Genome Aggregation Database (gnomAD). Alterations that disrupt the canonical splice site are expected to cause aberrant splicing, resulting in an abnormal protein. As such, this alteration is classified as likely pathogenic.

CeGaT Center for Human Genetics Tuebingen
Classification: Likely pathogenic. Last evaluated: 2024-02-01. Review status: criteria provided, single submitter. Criteria: CeGaT Center For Human Genetics Tuebingen Variant Classification Criteria Version 2. Collection method: clinical testing. Allele origin: germline. Affected: yes. Observed: 1 variant allele.
Comment: CHEK2: PVS1:Strong, PM2, PS4:Supporting

Myriad Genetics, Inc.
Classification: Likely pathogenic for Familial cancer of breast. Last evaluated: 2023-03-08. Review status: criteria provided, single submitter. Criteria: Myriad Autosomal Dominant, Autosomal Recessive and X-Linked Classification Criteria (2023). Collection method: clinical testing. Allele origin: unknown.
Comment: This variant is considered likely pathogenic. This variant occurs within a consensus splice junction and is predicted to result in abnormal mRNA splicing of either an out-of-frame exon or an in-frame exon necessary for protein stability and/or normal function.

Color Diagnostics, LLC DBA Color Health
Classification: Likely pathogenic for Hereditary cancer-predisposing syndrome. Last evaluated: 2020-09-23. Review status: criteria provided, single submitter. Criteria: ACMG Guidelines, 2015. Collection method: clinical testing. Allele origin: germline.
Comment: This variant causes an A to G nucleotide substitution at the -2 position of intron 8 of the CHEK2 gene. Splice site prediction tools predict that this variant may have a significant impact on RNA splicing. To our knowledge, functional studies have not been reported for this variant. This variant has been reported in an individual affected with Lynch syndrome-associated cancer and/or colorectal polyps (PMID: 25980754). This variant has not been identified in the general population by the Genome Aggregation Database (gnomAD). Loss of CHEK2 function is a known mechanism of disease. Based on the available evidence, this variant is classified as Likely Pathogenic.

Kasturba Medical College, Manipal, Kasturba Medical College, Manipal, Manipal Academy of Higher Education, Manipal, India
Classification: Likely pathogenic for Bone osteosarcoma. Review status: criteria provided, single submitter. Criteria: ACMG Guidelines, 2015. Collection method: clinical testing. Allele origin: biparental. Inheritance: Autosomal dominant inheritance. Affected: yes. Observed: 1 homozygote.
Comment: This canonical splice-site variant is likely to cause aberrant splicing leading to either the formation of a truncated protein product or the transcript may undergo nonsense-mediated mRNA decay. Biallelic and monoallelic variants in CHEK2 have been associated with increased risk for hereditary cancers, osteosarcoma, somatic (MIM# 259500), prostate cancer, somatic (MIM# 176807) and tumor predisposition syndrome 4, breast/prostate/colorectal (MIM# 609265). This variant in a germline heterozygous state has been previously reported in a patient with colorectal cancer (ClinVar ID: 487405; Yurgelun et al. 2015). Bi-allelic germline variants in CHEK2 has recently been reported in patients with multiple breast cancers and multiple meningiomas (Bottillo et al. 2023).

Counsyl
Classification: Likely pathogenic for Familial cancer of breast. Last evaluated: 2017-03-21. Review status: no assertion criteria provided. Collection method: clinical testing. Allele origin: unknown. Not counted in ClinVar's aggregate classification.

Literature cited by the submitters: PubMed 16199547 (cited by Labcorp Genetics (formerly Invitae), Labcorp); PubMed 21876083 (cited by Labcorp Genetics (formerly Invitae), Labcorp); PubMed 24713400 (cited by Labcorp Genetics (formerly Invitae), Labcorp); PubMed 25980754 (cited by Labcorp Genetics (formerly Invitae), Labcorp and Counsyl).

NM_007194.4(CHEK2):c.909-2A>G

Gene: CHEK2 (checkpoint kinase 2; minus strand). Cytogenetic location: 22q12.1.
Variant type: single nucleotide variant.
Coding change: c.909-2A>G on transcript NM_007194.4 (MANE Select); the canonical splice acceptor site of the intron before coding-DNA position 909, A replaced by G.
Molecular consequence: splice acceptor variant.
Genome position (GRCh38, 1-based): chr22:28,699,939, T>C on the plus strand (A>G on the coding strand, the complement: CHEK2 is on the minus strand). VCF-style: chr22-28699939-T-C. GRCh37 (hg19) VCF-style: chr22-29095927-T-C.
Other names: c.246-2A>G (NM_001437942.1, NM_001257387.3); c.708-2A>G (NM_001349956.3); c.909-2A>G (NM_145862.3); c.1002-2A>G (NM_001438295.1, NM_001438293.1); c.1038-2A>G (NM_001438294.1, NM_001005735.3).
Identifiers: ClinVar variation 487405 (VCV000487405.46), dbSNP rs1555915589, ClinGen allele CA411100226.
Genomic context (GRCh38, chr22:28,699,939, plus strand): 5'-TAGCTTCTTTCAGGCGTTTATTCCCCACCACTTTGTCAAACAGCTCTCCCCCTTCCATCC[T>C]GAAACACAAAGGCAAGGCAAGGGGTTCATTCCTGGGGGAAAACGCACTTGGACAGAAGAC-3'